The following is an entry in ClinVar:

NM_001379029.1(CERT1):c.628A>G (p.Thr210Ala)

Gene: CERT1 (ceramide transporter 1; minus strand). Cytogenetic location: 5q13.3.
Variant type: single nucleotide variant.
Coding change: c.628A>G on transcript NM_001379029.1 (MANE Select); coding-DNA position 628, A replaced by G.
Protein change: p.Thr210Ala; replaces threonine 210 with alanine.
Molecular consequence: missense variant.
Genome position (GRCh38, 1-based): chr5:75,419,392, T>C on the plus strand (A>G on the coding strand, the complement: CERT1 is on the minus strand). VCF-style: chr5-75419392-T-C. GRCh37 (hg19) VCF-style: chr5-74715217-T-C.
Other names: c.1012A>G, p.Thr338Ala (NM_001130105.1); c.628A>G, p.Thr210Ala (NM_001379002.1, NM_001379003.1, NM_001379004.1 and 2 more transcripts); short protein forms T210A, T338A.
Identifiers: ClinVar variation 4852998 (VCV004852998.1).
Genomic context (GRCh38, chr5:75,419,392, plus strand): 5'-ATTACTTACACTTTTCTTTATTGCCGTTGGTACTATGCAAGAAGTCACCATCAGAACGCG[T>C]TGTAGGAAAGTCATCTTCATCATCTTCTACCACTAAATAAAATATATTTAAGGAAATTAG-3'
Protein context (NP_001365958.1, residues 200-220): VEDDEDDFPT[Thr210Ala]RSDGDFLHST

ClinVar aggregate classification (germline): Uncertain significance (1 of 4 stars; one submission).

gnomAD v4.1: 3 of 1,612,942 alleles (0.00019%); highest among the groups gnomAD compares: South Asian, 0.0022%; no homozygotes.

Submission:

Women's Health and Genetics/Laboratory Corporation of America, LabCorp
Classification: Uncertain significance. Last evaluated: 2026-05-29. Review status: criteria provided, single submitter. Criteria: LabCorp Variant Classification Summary - May 2015. Collection method: clinical testing. Allele origin: germline.
Comment: Variant summary: CERT1 c.1012A>G (p.Thr338Ala) results in a non-conservative amino acid change in the encoded protein sequence. Algorithms developed to predict the effect of missense changes on protein structure and function are either unavailable or do not agree on the potential impact of this missense change. The variant allele was found at a frequency of 4e-06 in 251114 control chromosomes. The available data on variant occurrences in the general population are insufficient to allow any conclusion about variant significance. To our knowledge, no occurrence of c.1012A>G in individuals affected with CERT1-related conditions and no experimental evidence demonstrating its impact on protein function have been reported. No submitters have cited clinical-significance assessments for this variant to ClinVar. Based on the evidence outlined above, the variant was classified as uncertain significance.